The following is an entry in ClinVar:

NM_018896.5(CACNA1G):c.838C>T (p.Arg280Trp)

Gene: CACNA1G (calcium voltage-gated channel subunit alpha1 G; plus strand). Cytogenetic location: 17q21.33.
Variant type: single nucleotide variant.
Coding change: c.838C>T on transcript NM_018896.5 (MANE Select); coding-DNA position 838, C replaced by T.
Protein change: p.Arg280Trp; replaces arginine 280 with tryptophan.
Molecular consequence: missense variant. On other transcripts: non-coding transcript variant (5).
Genome position (GRCh38, 1-based): chr17:50,572,645, C>T. VCF-style: chr17-50572645-C-T. GRCh37 (hg19) VCF-style: chr17-48650006-C-T.
Other names: c.838C>T, p.Arg280Trp (NM_001256324.2, NM_001256325.2, NM_001256326.2 and 24 more transcripts); short protein forms R280W.
Identifiers: ClinVar variation 3901383 (VCV003901383.1).
Genomic context (GRCh38, chr17:50,572,645, plus strand): 5'-CAGACAGAGAACGAGGATGAGAGCCCCTTCATCTGCTCCCAGCCACGCGAGAACGGCATG[C>T]GGTCCTGCAGAAGCGTGCCCACGCTGCGCGGGGACGGGGGCGGTGGCCCACCTTGCGGTC-3'
Protein context (NP_061496.2, residues 270-290): ICSQPRENGM[Arg280Trp]SCRSVPTLRG

ClinVar aggregate classification (germline): Uncertain significance (1 of 4 stars; one submission).

Submission:

GeneDx
Classification: Uncertain significance. Last evaluated: 2024-12-05. Review status: criteria provided, single submitter. Criteria: GeneDx Variant Classification Process June 2021. Collection method: clinical testing. Allele origin: germline. Affected: yes.
Comment: Not observed at significant frequency in large population cohorts (gnomAD); In silico analysis supports that this missense variant has a deleterious effect on protein structure/function; Has not been previously published as pathogenic or benign to our knowledge